The following is an entry in ClinVar:

ClinVar aggregate classification (germline): Likely benign. Review status: criteria provided, multiple submitters, no conflicts (2 of 4 stars). 3 submissions from 3 submitters: Likely benign (2). 1 of the submissions does not count toward it. Last evaluated 2022-07-02.

Conditions:
FHL2-related disorder. Also called: FHL2-related condition.
Primary dilated cardiomyopathy (DCM). Also called: Dilated Cardiomyopathy. Identifiers: Orphanet 217604, MedGen C0007193, MeSH D002311, MONDO:0005021, HP:0001644. Inheritance: Various modes of inheritance.

Allele frequency attached by ClinVar (database versions not stated): ExAC 0.00002; gnomAD 0.00003; gnomAD exomes 0.00003; TOPMed 0.00004.
gnomAD v4.1: 19 of 1,614,040 alleles (0.0012%); highest among the groups gnomAD compares: East Asian, 0.038%; no homozygotes.

Submissions (3):

Labcorp Genetics (formerly Invitae), Labcorp
Classification: Likely benign for Primary dilated cardiomyopathy. Last evaluated: 2022-07-02. Review status: criteria provided, single submitter. Criteria: Invitae Variant Classification Sherloc (09022015). Collection method: clinical testing. Allele origin: germline.

Laboratory for Molecular Medicine, Mass General Brigham Personalized Medicine
Classification: Likely benign. Last evaluated: 2011-12-27. Review status: criteria provided, single submitter. Criteria: LMM Criteria. Collection method: clinical testing. Allele origin: germline. Observed: 1 variant allele.
Comment: Tyr154Tyr in exon 4 of FHL2: This variant is not expected to have clinical signi ficance because it does not alter an amino acid residue and is not located withi n the splice consensus sequence. Tyr154Tyr in exon 4 of FHL2 (allele frequency = n/a)

PreventionGenetics, part of Exact Sciences
Classification: Likely benign for FHL2-related condition. Last evaluated: 2019-04-16. Review status: no assertion criteria provided. Collection method: clinical testing. Allele origin: germline. Not counted in ClinVar's aggregate classification.
Comment: This variant is classified as likely benign based on ACMG/AMP sequence variant interpretation guidelines (Richards et al. 2015 PMID: 25741868, with internal and published modifications).

NM_001318895.3(FHL2):c.462T>C (p.Tyr154=)

Genes: C2orf49 (chromosome 2 open reading frame 49; plus strand), FHL2 (four and a half LIM domains 2; minus strand). Cytogenetic location: 2q12.2.
Variant type: single nucleotide variant.
Coding change: c.462T>C on transcript NM_001318895.3 (MANE Select); coding-DNA position 462, T replaced by C.
Protein change: p.Tyr154=; no amino-acid change (tyrosine 154 retained).
Molecular consequence: synonymous variant.
Genome position (GRCh38, 1-based): chr2:105,367,609, A>G on the plus strand (T>C on the coding strand, the complement: FHL2 is on the minus strand). VCF-style: chr2-105367609-A-G. GRCh37 (hg19) VCF-style: chr2-105984066-A-G.
Other names: c.462T>C, p.Tyr154= (NM_001039492.3, NM_001318894.1, NM_001318896.2 and 4 more transcripts); c.120T>C, p.Tyr40= (NM_001318897.2, NM_001318898.2); c.138T>C, p.Tyr46= (NM_001318899.2).
Identifiers: ClinVar variation 48324 (VCV000048324.12), dbSNP rs397517960, ClinGen allele CA143178.